The following is an entry in ClinVar:

NM_001267550.2(TTN):c.59081G>A (p.Cys19694Tyr)

Genes: TTN (titin; minus strand), TTN-AS1 (TTN antisense RNA 1; plus strand). Cytogenetic location: 2q31.2.
Variant type: single nucleotide variant.
Coding change: c.59081G>A on transcript NM_001267550.2 (MANE Select); coding-DNA position 59081, G replaced by A.
Protein change: p.Cys19694Tyr; replaces cysteine 19694 with tyrosine.
Molecular consequence: missense variant.
Genome position (GRCh38, 1-based): chr2:178,593,038, C>T on the plus strand (G>A on the coding strand, the complement: TTN is on the minus strand). VCF-style: chr2-178593038-C-T. GRCh37 (hg19) VCF-style: chr2-179457765-C-T.
Other names: c.54158G>A, p.Cys18053Tyr (NM_001256850.1); c.31886G>A, p.Cys10629Tyr (NM_003319.4); c.32261G>A, p.Cys10754Tyr (NM_133432.3); c.32462G>A, p.Cys10821Tyr (NM_133437.4); c.51377G>A, p.Cys17126Tyr (NM_133378.4); short protein forms C17126Y, C19694Y, C18053Y, C10629Y, C10821Y, C10754Y.
Identifiers: ClinVar variation 180002 (VCV000180002.11), dbSNP rs727505276, ClinGen allele CA185606.

ClinVar aggregate classification (germline): Uncertain significance. Review status: criteria provided, multiple submitters, no conflicts (2 of 4 stars). 4 submissions from 4 submitters: Uncertain significance (4). Last evaluated 2026-02-09.

Conditions:
Dilated cardiomyopathy 1G (CMD1G). Identifiers: Orphanet 154, MedGen C1858763, MONDO:0011400, OMIM 604145.
Autosomal recessive limb-girdle muscular dystrophy type 2J (LGMDR10). Also called: Limb-girdle muscular dystrophy, type 2J; MUSCULAR DYSTROPHY, LIMB-GIRDLE, AUTOSOMAL RECESSIVE 10. Identifiers: Orphanet 140922, MedGen C1837342, MONDO:0012127, OMIM 608807.
TTN-related disorder. Also called: TTN-related condition; TTN-related disease; TTN-related disorders.

Allele frequency attached by ClinVar (database versions not stated): ExAC 0.00001; gnomAD exomes 0.00001; TOPMed 0.00010; gnomAD 0.00011.
gnomAD v4.1: 31 of 1,613,270 alleles (0.0019%); highest among the groups gnomAD compares: African/African-American, 0.041%; no homozygotes.

Submissions (4):

PreventionGenetics, part of Exact Sciences
Classification: Uncertain significance for TTN-related condition. Last evaluated: 2026-02-09. Review status: criteria provided, single submitter. Criteria: ACMG Guidelines, 2015. Collection method: clinical testing. Allele origin: germline.
Comment: The TTN c.59081G>A variant is predicted to result in the amino acid substitution p.Cys19694Tyr. To our knowledge, this variant has not been reported in the literature. This variant is reported in 0.025% of alleles in individuals of African descent in gnomAD. At this time, the clinical significance of this variant is uncertain due to the absence of conclusive functional and genetic evidence.

Revvity Omics, Revvity
Classification: Uncertain significance. Last evaluated: 2019-05-06. Review status: criteria provided, single submitter. Criteria: ACMG Guidelines, 2015. Collection method: clinical testing. Allele origin: germline.

Labcorp Genetics (formerly Invitae), Labcorp
Classification: Uncertain significance for Dilated cardiomyopathy 1G; Autosomal recessive limb-girdle muscular dystrophy type 2J. Last evaluated: 2017-06-13. Review status: criteria provided, single submitter. Criteria: Invitae Variant Classification Sherloc (09022015). Collection method: clinical testing. Allele origin: germline.

Laboratory for Molecular Medicine, Mass General Brigham Personalized Medicine
Classification: Uncertain significance. Last evaluated: 2014-09-17. Review status: criteria provided, single submitter. Criteria: LMM Criteria. Collection method: clinical testing. Allele origin: germline. Observed: 1 variant allele.
Comment: The Cys17126Tyr variant in TTN has not been previously reported in individuals w ith cardiomyopathy or in large population studies. Computational prediction tool s and conservation analysis do not provide strong support for or against an impa ct to the protein. In summary, the clinical significance of the Cys17126Tyr vari ant is uncertain.